The following is an entry in ClinVar:

NM_014252.4(SLC25A15):c.334G>A (p.Ala112Thr)

Gene: SLC25A15 (solute carrier family 25 member 15; plus strand). Cytogenetic location: 13q14.11.
Variant type: single nucleotide variant.
Coding change: c.334G>A on transcript NM_014252.4 (MANE Select); coding-DNA position 334, G replaced by A.
Protein change: p.Ala112Thr; replaces alanine 112 with threonine.
Molecular consequence: missense variant.
Genome position (GRCh38, 1-based): chr13:40,805,137, G>A. VCF-style: chr13-40805137-G-A. GRCh37 (hg19) VCF-style: chr13-41379273-G-A.
Other names: short protein forms A112T.
Identifiers: ClinVar variation 883224 (VCV000883224.6), dbSNP rs747998866, ClinGen allele CA6959700.

ClinVar aggregate classification (germline): Uncertain significance. Review status: criteria provided, multiple submitters, no conflicts (2 of 4 stars). 3 submissions from 3 submitters: Uncertain significance (3). Last evaluated 2024-11-14.

Conditions:
Hyperornithinemia-hyperammonemia-homocitrullinuria syndrome (HHHS). Also called: Ornithine translocase deficiency; HHH SYNDROME. Identifiers: Orphanet 415, MedGen C0268540, MONDO:0009393, OMIM 238970.
Inborn genetic diseases. Identifiers: MedGen C0950123, MeSH D030342.

Allele frequency attached by ClinVar (database versions not stated): gnomAD 0.00004 and 0.00005; gnomAD exomes 0.00006 and 0.00007; TOPMed 0.00006; ExAC 0.00007.
gnomAD v4.1: 113 of 1,613,978 alleles (0.007%); highest among the groups gnomAD compares: Admixed American, 0.01%; no homozygotes.

Submissions (3):

Ambry Genetics
Classification: Uncertain significance for Inborn genetic diseases. Last evaluated: 2024-11-14. Review status: criteria provided, single submitter. Criteria: Ambry Variant Classification Scheme 2023. Collection method: clinical testing. Allele origin: germline.

Labcorp Genetics (formerly Invitae), Labcorp
Classification: Uncertain significance for Hyperornithinemia-hyperammonemia-homocitrullinuria syndrome. Last evaluated: 2021-12-25. Review status: criteria provided, single submitter. Criteria: Invitae Variant Classification Sherloc (09022015). Collection method: clinical testing. Allele origin: germline.
Comment: This sequence change replaces alanine, which is neutral and non-polar, with threonine, which is neutral and polar, at codon 112 of the SLC25A15 protein (p.Ala112Thr). This variant is present in population databases (rs747998866, gnomAD 0.02%). This variant has not been reported in the literature in individuals affected with SLC25A15-related conditions. ClinVar contains an entry for this variant (Variation ID: 883224). Algorithms developed to predict the effect of missense changes on protein structure and function are either unavailable or do not agree on the potential impact of this missense change (SIFT: "Deleterious"; PolyPhen-2: "Probably Damaging"; Align-GVGD: "Class C0"). In summary, the available evidence is currently insufficient to determine the role of this variant in disease. Therefore, it has been classified as a Variant of Uncertain Significance.

Illumina Laboratory Services, Illumina
Classification: Uncertain significance for Hyperornithinemia-hyperammonemia-homocitrullinuria syndrome. Last evaluated: 2018-01-13. Review status: criteria provided, single submitter. Criteria: ICSL Variant Classification Criteria 13 December 2019. Collection method: clinical testing. Allele origin: germline.